The following is an entry in ClinVar:

ClinVar aggregate classification (germline): Uncertain significance (1 of 4 stars; one submission).

Conditions:
Autosomal dominant nocturnal frontal lobe epilepsy 5. Also called: KCNT1-Related Epilepsy; CILIARY DYSKINESIA, PRIMARY, 28, WITH SITUS INVERSUS; CILIARY DYSKINESIA, PRIMARY, 28, WITHOUT SITUS INVERSUS; Epilepsy, nocturnal frontal lobe, 5. Identifiers: Orphanet 98784, MedGen C3554306, MONDO:0014002, OMIM 615005.
Developmental and epileptic encephalopathy, 14 (DEE14). Also called: Early infantile epileptic encephalopathy 14. Identifiers: Orphanet 293181, MedGen C3554195, MONDO:0013989, OMIM 614959.

Allele frequency attached by ClinVar (database versions not stated): TOPMed below 0.00001; gnomAD 0.00001; ExAC 0.00002.
gnomAD v4.1: 9 of 1,613,232 alleles (0.00056%); highest among the groups gnomAD compares: African/African-American, 0.0013%; no homozygotes.

Submission:

Labcorp Genetics (formerly Invitae), Labcorp
Classification: Uncertain significance for Autosomal dominant nocturnal frontal lobe epilepsy 5; Developmental and epileptic encephalopathy, 14. Last evaluated: 2024-06-13. Review status: criteria provided, single submitter. Criteria: Invitae Variant Classification Sherloc (09022015). Collection method: clinical testing. Allele origin: germline.
Comment: This sequence change replaces valine, which is neutral and non-polar, with isoleucine, which is neutral and non-polar, at codon 282 of the KCNT1 protein (p.Val282Ile). This variant is present in population databases (rs749361686, gnomAD 0.007%). This variant has not been reported in the literature in individuals affected with KCNT1-related conditions. Advanced modeling of protein sequence and biophysical properties (such as structural, functional, and spatial information, amino acid conservation, physicochemical variation, residue mobility, and thermodynamic stability) performed at Invitae indicates that this missense variant is not expected to disrupt KCNT1 protein function with a negative predictive value of 80%. In summary, the available evidence is currently insufficient to determine the role of this variant in disease. Therefore, it has been classified as a Variant of Uncertain Significance.

NM_020822.3(KCNT1):c.844G>A (p.Val282Ile)

Gene: KCNT1 (potassium sodium-activated channel subfamily T member 1; plus strand). Cytogenetic location: 9q34.3.
Variant type: single nucleotide variant.
Coding change: c.844G>A on transcript NM_020822.3 (MANE Select); coding-DNA position 844, G replaced by A.
Protein change: p.Val282Ile; replaces valine 282 with isoleucine.
Molecular consequence: missense variant.
Genome position (GRCh38, 1-based): chr9:135,758,498, G>A. VCF-style: chr9-135758498-G-A. GRCh37 (hg19) VCF-style: chr9-138650344-G-A.
Other names: c.700G>A, p.Val234Ile (NM_001272003.2); short protein forms V282I, V234I.
Identifiers: ClinVar variation 2924337 (VCV002924337.3), dbSNP rs749361686, ClinGen allele CA5326666.